The following is an entry in ClinVar:

ClinVar aggregate classification (germline): Uncertain significance. Review status: criteria provided, multiple submitters, no conflicts (2 of 4 stars). 6 submissions from 6 submitters: Uncertain significance (6). Last evaluated 2025-09-25.

Conditions:
Autosomal recessive nonsyndromic hearing loss 42. Identifiers: Orphanet 90636, MedGen C1864818, MONDO:0012326, OMIM 609646.

Allele frequency attached by ClinVar (database versions not stated): gnomAD exomes 0.00027 and 0.00019; gnomAD 0.00050 and 0.00051; ESP Exome Variant Server 0.00046; TOPMed 0.00056; 1000 Genomes Project 30x 0.00187; ExAC 0.00031; 1000 Genomes Project 0.00200.

Submissions (6):

GeneDx
Classification: Uncertain significance. Last evaluated: 2025-09-25. Review status: criteria provided, single submitter. Criteria: GeneDx Variant Classification Process June 2021. Collection method: clinical testing. Allele origin: germline.
Comment: In silico analysis supports that this missense variant has a deleterious effect on protein structure/function; Has not been previously published as pathogenic or benign to our knowledge

Labcorp Genetics (formerly Invitae), Labcorp
Classification: Uncertain significance. Last evaluated: 2024-01-01. Review status: criteria provided, single submitter. Criteria: Invitae Variant Classification Sherloc (09022015). Collection method: clinical testing. Allele origin: germline.
Comment: This sequence change replaces arginine, which is basic and polar, with tryptophan, which is neutral and slightly polar, at codon 433 of the ILDR1 protein (p.Arg433Trp). This variant is present in population databases (rs140567004, gnomAD 0.1%). This variant has not been reported in the literature in individuals affected with ILDR1-related conditions. ClinVar contains an entry for this variant (Variation ID: 504596). An algorithm developed to predict the effect of missense changes on protein structure and function (PolyPhen-2) suggests that this variant¬†is likely to be tolerated. In summary, the available evidence is currently insufficient to determine the role of this variant in disease. Therefore, it has been classified as a Variant of Uncertain Significance.

ARUP Laboratories, Molecular Genetics and Genomics, ARUP Laboratories
Classification: Uncertain significance for Autosomal recessive nonsyndromic hearing loss 42. Last evaluated: 2023-08-21. Review status: criteria provided, single submitter. Criteria: ARUP Molecular Germline Variant Investigation Process 2024. Collection method: clinical testing. Allele origin: germline.

Knight Diagnostic Laboratories, Oregon Health and Sciences University
Classification: Uncertain significance for Deafness, autosomal recessive 42. Last evaluated: 2019-02-22. Review status: criteria provided, single submitter. Criteria: ACMG Guidelines, 2015. Collection method: clinical testing. Allele origin: germline. Observed: 1 variant allele.

Laboratory for Molecular Medicine, Mass General Brigham Personalized Medicine
Classification: Uncertain significance. Last evaluated: 2016-11-17. Review status: criteria provided, single submitter. Criteria: LMM Criteria. Collection method: clinical testing. Allele origin: germline. Observed: 1 variant allele.
Comment: Variant classified as Uncertain Significance - Favor Benign. The p.Arg433Trp var iant in ILDR1 has not been previously reported in patients with hearing loss. It has been identified in 0.2% (19/10134) of African chromosomes by the Exome Aggr egation Consortium (ExAC; dbSNP rs140567004); ho wever, its frequency is not high enough to rule out a pathogenic role. Computati onal prediction tools and conservation analysis suggest that the p.Arg433Trp var iant may not impact the protein, though this information is not predictive enoug h to rule out pathogenicity. In summary, while the clinical significance of the p.Arg433Trp variant is uncertain, available data suggest that it is more likely to be benign.

Breakthrough Genomics
Classification: Uncertain significance. Review status: criteria provided, single submitter. Criteria: ACMG Guidelines, 2015. Collection method: not provided. Allele origin: germline. Inheritance: Autosomal recessive inheritance. Affected: yes.

NM_001199799.2(ILDR1):c.1297C>T (p.Arg433Trp)

Gene: ILDR1 (immunoglobulin like domain containing receptor 1; minus strand). Cytogenetic location: 3q13.33.
Variant type: single nucleotide variant.
Coding change: c.1297C>T on transcript NM_001199799.2 (MANE Select); coding-DNA position 1297, C replaced by T.
Protein change: p.Arg433Trp; replaces arginine 433 with tryptophan.
Molecular consequence: missense variant.
Genome position (GRCh38, 1-based): chr3:121,993,452, G>A on the plus strand (C>T on the coding strand, the complement: ILDR1 is on the minus strand). VCF-style: chr3-121993452-G-A. GRCh37 (hg19) VCF-style: chr3-121712299-G-A.
Other names: c.1030C>T, p.Arg344Trp (NM_001199800.2); c.1165C>T, p.Arg389Trp (NM_175924.4); short protein forms R433W, R389W, R344W.
Identifiers: ClinVar variation 504596 (VCV000504596.16), dbSNP rs140567004, ClinGen allele CA2568722.